The following is an entry in ClinVar:

ClinVar aggregate classification (germline): Uncertain significance. Review status: criteria provided, multiple submitters, no conflicts (2 of 4 stars). 3 submissions from 3 submitters: Uncertain significance (3). Last evaluated 2024-04-22.

Conditions:
Short-rib thoracic dysplasia 14 with polydactyly (SRTD14). Identifiers: Orphanet 397715, MedGen C4225286, MONDO:0014688, OMIM 616546.
Joubert syndrome 23 (JBTS23). Identifiers: Orphanet 475, MedGen C4084822, MONDO:0014664, OMIM 616490.
Inborn genetic diseases. Identifiers: MedGen C0950123, MeSH D030342.

Allele frequency attached by ClinVar (database versions not stated): gnomAD exomes below 0.00001; ExAC 0.00001; gnomAD 0.00002; TOPMed 0.00004.
gnomAD v4.1: 7 of 1,612,736 alleles (0.00043%); highest among the groups gnomAD compares: African/African-American, 0.0067%; no homozygotes.

Submissions (3):

Ambry Genetics
Classification: Uncertain significance for Inborn genetic diseases. Last evaluated: 2024-04-22. Review status: criteria provided, single submitter. Criteria: Ambry Variant Classification Scheme 2023. Collection method: clinical testing. Allele origin: germline.

Labcorp Genetics (formerly Invitae), Labcorp
Classification: Uncertain significance for Joubert syndrome 23; Short-rib thoracic dysplasia 14 with polydactyly. Last evaluated: 2023-08-17. Review status: criteria provided, single submitter. Criteria: Invitae Variant Classification Sherloc (09022015). Collection method: clinical testing. Allele origin: germline.
Comment: In summary, the available evidence is currently insufficient to determine the role of this variant in disease. Therefore, it has been classified as a Variant of Uncertain Significance. Advanced modeling of protein sequence and biophysical properties (such as structural, functional, and spatial information, amino acid conservation, physicochemical variation, residue mobility, and thermodynamic stability) performed at Invitae indicates that this missense variant is not expected to disrupt KIAA0586 protein function. ClinVar contains an entry for this variant (Variation ID: 1513128). This variant has not been reported in the literature in individuals affected with KIAA0586-related conditions. This variant is present in population databases (rs778611816, gnomAD 0.005%). This sequence change replaces alanine, which is neutral and non-polar, with valine, which is neutral and non-polar, at codon 975 of the KIAA0586 protein (p.Ala975Val).

Blueprint Genetics
Classification: Uncertain significance. Last evaluated: 2021-03-17. Review status: criteria provided, single submitter. Criteria: ACMG Guidelines, 2015. Collection method: clinical testing. Allele origin: germline.

NM_001329943.3(KIAA0586):c.2765C>T (p.Ala922Val)

Gene: KIAA0586 (KIAA0586; plus strand). Cytogenetic location: 14q23.1.
Variant type: single nucleotide variant.
Coding change: c.2765C>T on transcript NM_001329943.3 (MANE Select); coding-DNA position 2765, C replaced by T.
Protein change: p.Ala922Val; replaces alanine 922 with valine.
Molecular consequence: missense variant.
Genome position (GRCh38, 1-based): chr14:58,474,737, C>T. VCF-style: chr14-58474737-C-T. GRCh37 (hg19) VCF-style: chr14-58941455-C-T.
Other names: c.2924C>T, p.Ala975Val (NM_001244189.2); c.2720C>T, p.Ala907Val (NM_001244190.2); c.2510C>T, p.Ala837Val (NM_001244191.2, NM_001329945.2, NM_001364700.1 and 1 more transcripts); c.2633C>T, p.Ala878Val (NM_001244192.2); c.2345C>T, p.Ala782Val (NM_001244193.2); c.2765C>T, p.Ala922Val (NM_001329944.2, NM_001329946.2, NM_001329947.2); c.2537C>T, p.Ala846Val (NM_014749.5); c.2537C>T (NM_014749.3); short protein forms A922V, A975V, A782V, A837V, A907V, A846V, A878V.
Identifiers: ClinVar variation 1513128 (VCV001513128.7), dbSNP rs778611816, ClinGen allele CA7205967.
Genomic context (GRCh38, chr14:58,474,737, plus strand): 5'-ATTCTACAAAATATAATGGTCCTCCATTTCCGCCAGTTGCTTCTACTTTTCAGCCCACTG[C>T]TGATATTCTGGATAAAGTAATTGAGAGAAAAGAAACACTGGAAAATAGCTTAATTCAATG-3'
Protein context (NP_001316872.1, residues 912-932): PPVASTFQPT[Ala922Val]DILDKVIERK